The following is an entry in ClinVar:

ClinVar aggregate classification (germline): Uncertain significance (1 of 4 stars; one submission).

Conditions:
Inborn genetic diseases. Identifiers: MedGen C0950123, MeSH D030342.

Submission:

Ambry Genetics
Classification: Uncertain significance for Inborn genetic diseases. Last evaluated: 2025-03-17. Review status: criteria provided, single submitter. Criteria: Ambry Variant Classification Scheme 2023. Collection method: clinical testing. Allele origin: germline.
Comment: The p.A271G variant (also known as c.812C>G), located in coding exon 7 of the PAX5 gene, results from a C to G substitution at nucleotide position 812. The alanine at codon 271 is replaced by glycine, an amino acid with similar properties. This amino acid position is conserved. In addition, the in silico prediction for this alteration is inconclusive. Based on the available evidence, the clinical significance of this variant remains unclear.

NM_016734.3(PAX5):c.812C>G (p.Ala271Gly)

Gene: PAX5 (paired box 5; minus strand). Cytogenetic location: 9p13.2.
Variant type: single nucleotide variant.
Coding change: c.812C>G on transcript NM_016734.3 (MANE Select); coding-DNA position 812, C replaced by G.
Protein change: p.Ala271Gly; replaces alanine 271 with glycine.
Molecular consequence: missense variant. On other transcripts: intron variant (2).
Genome position (GRCh38, 1-based): chr9:36,923,453, G>C on the plus strand (C>G on the coding strand, the complement: PAX5 is on the minus strand). VCF-style: chr9-36923453-G-C. GRCh37 (hg19) VCF-style: chr9-36923450-G-C.
Other names: c.812C>G, p.Ala271Gly (NM_001280547.2, NM_001280548.2, NM_001280552.2); c.488C>G, p.Ala163Gly (NM_001280551.2, NM_001280556.2); c.683C>G, p.Ala228Gly (NM_001280553.2, NM_001280554.2); c.614C>G, p.Ala205Gly (NM_001280555.2); c.780+43096C>G (NM_001280550.2, NM_001280549.2); short protein forms A205G, A228G, A163G, A271G.
Identifiers: ClinVar variation 3928270 (VCV003928270.1).